The following is an entry in ClinVar:

NM_001961.4(EEF2):c.2432A>G (p.Gln811Arg)

Gene: EEF2 (eukaryotic translation elongation factor 2; minus strand). Cytogenetic location: 19p13.3.
Variant type: single nucleotide variant.
Coding change: c.2432A>G on transcript NM_001961.4 (MANE Select); coding-DNA position 2432, A replaced by G.
Protein change: p.Gln811Arg; replaces glutamine 811 with arginine.
Molecular consequence: missense variant.
Genome position (GRCh38, 1-based): chr19:3,976,699, T>C on the plus strand (A>G on the coding strand, the complement: EEF2 is on the minus strand). VCF-style: chr19-3976699-T-C. GRCh37 (hg19) VCF-style: chr19-3976697-T-C.
Other names: short protein forms Q811R.
Identifiers: ClinVar variation 1802116 (VCV001802116.1), dbSNP rs2512197834, ClinGen allele CA403388712.

ClinVar aggregate classification (germline): Uncertain significance (1 of 4 stars; one submission).

Submission:

GeneDx
Classification: Uncertain significance. Last evaluated: 2022-11-30. Review status: criteria provided, single submitter. Criteria: GeneDx Variant Classification Process June 2021. Collection method: clinical testing. Allele origin: germline. Affected: yes.
Comment: Not observed at significant frequency in large population cohorts (gnomAD); In silico analysis supports that this missense variant has a deleterious effect on protein structure/function; Has not been previously published as pathogenic or benign to our knowledge